The following is an entry in ClinVar:

ClinVar aggregate classification (germline): Uncertain significance (1 of 4 stars; one submission).

Conditions:
Hereditary cancer-predisposing syndrome. Also called: Hereditary Cancer Syndrome; Hereditary neoplastic syndrome; Neoplastic Syndromes, Hereditary; Tumor predisposition. Identifiers: Orphanet 140162, MedGen C0027672, MeSH D009386, MONDO:0015356.

Submission:

Ambry Genetics
Classification: Uncertain significance for Hereditary cancer-predisposing syndrome. Last evaluated: 2022-03-23. Review status: criteria provided, single submitter. Criteria: Ambry Variant Classification Scheme 2023. Collection method: clinical testing. Allele origin: germline.
Comment: The p.P309S variant (also known as c.925C>T), located in coding exon 7 of the CDH1 gene, results from a C to T substitution at nucleotide position 925. The proline at codon 309 is replaced by serine, an amino acid with similar properties. This amino acid position is highly conserved in available vertebrate species. In addition, the in silico prediction for this alteration is inconclusive. Since supporting evidence is limited at this time, the clinical significance of this alteration remains unclear.

NM_004360.5(CDH1):c.925C>T (p.Pro309Ser)

Gene: CDH1 (cadherin 1; plus strand). Cytogenetic location: 16q22.1.
Variant type: single nucleotide variant.
Coding change: c.925C>T on transcript NM_004360.5 (MANE Select); coding-DNA position 925, C replaced by T.
Protein change: p.Pro309Ser; replaces proline 309 with serine.
Molecular consequence: missense variant. On other transcripts: 5 prime UTR variant (2).
Genome position (GRCh38, 1-based): chr16:68,811,776, C>T. VCF-style: chr16-68811776-C-T. GRCh37 (hg19) VCF-style: chr16-68845679-C-T.
Other names: c.925C>T, p.Pro309Ser (NM_001317184.2); c.-691C>T (NM_001317185.2); c.-895C>T (NM_001317186.2); short protein forms P309S.
Identifiers: ClinVar variation 1766365 (VCV001766365.2), dbSNP rs2152132027, ClinGen allele CA396459732.